The following is an entry in ClinVar:

ClinVar aggregate classification (germline): Uncertain significance. Review status: criteria provided, multiple submitters, no conflicts (2 of 4 stars). 2 submissions from 2 submitters: Uncertain significance (2). Last evaluated 2025-12-23.

Allele frequency attached by ClinVar (database versions not stated): ESP Exome Variant Server 0.00008; 1000 Genomes Project 0.00040; 1000 Genomes Project 30x 0.00047.
gnomAD v4.1: 206 of 1,614,160 alleles (0.013%); highest among the groups gnomAD compares: Admixed American, 0.05%; no homozygotes.

Submissions (2):

Labcorp Genetics (formerly Invitae), Labcorp
Classification: Uncertain significance. Last evaluated: 2025-12-23. Review status: criteria provided, single submitter. Criteria: Invitae Variant Classification Sherloc (09022015). Collection method: clinical testing. Allele origin: germline.
Comment: This sequence change replaces proline, which is neutral and non-polar, with alanine, which is neutral and non-polar, at codon 2020 of the CELSR2 protein (p.Pro2020Ala). This variant is present in population databases (rs186529449, gnomAD 0.009%). This variant has not been reported in the literature in individuals affected with CELSR2-related conditions. ClinVar contains an entry for this variant (Variation ID: 2204833). Invitae Evidence Modeling of protein sequence and biophysical properties (such as structural, functional, and spatial information, amino acid conservation, physicochemical variation, residue mobility, and thermodynamic stability) indicates that this missense variant is not expected to disrupt CELSR2 protein function with a negative predictive value of 80%. In summary, the available evidence is currently insufficient to determine the role of this variant in disease. Therefore, it has been classified as a Variant of Uncertain Significance.

Ambry Genetics
Classification: Uncertain significance. Last evaluated: 2021-07-15. Review status: criteria provided, single submitter. Criteria: Ambry Variant Classification Scheme 2023. Collection method: clinical testing. Allele origin: germline.

NM_001408.3(CELSR2):c.6058C>G (p.Pro2020Ala)

Gene: CELSR2 (cadherin EGF LAG seven-pass G-type receptor 2; plus strand). Cytogenetic location: 1p13.3.
Variant type: single nucleotide variant.
Coding change: c.6058C>G on transcript NM_001408.3 (MANE Select); coding-DNA position 6058, C replaced by G.
Protein change: p.Pro2020Ala; replaces proline 2020 with alanine.
Molecular consequence: missense variant.
Genome position (GRCh38, 1-based): chr1:109,267,592, C>G. VCF-style: chr1-109267592-C-G. GRCh37 (hg19) VCF-style: chr1-109810214-C-G.
Other names: short protein forms P2020A.
Identifiers: ClinVar variation 2204833 (VCV002204833.3), dbSNP rs186529449, ClinGen allele CA987754.
Genomic context (GRCh38, chr1:109,267,592, plus strand): 5'-GGCTTCCTTCCCCCAGGGACTGCTGTGCGCCACTGTGATGAGCACAGGGGGTGGCTCCCC[C>G]CAAACCTCTTCAACTGCACGTCCATCACCTTCTCAGAACTGAAGGGCTTCGTAAGTGAAC-3'
Protein context (NP_001399.1, residues 2010-2030): HCDEHRGWLP[Pro2020Ala]NLFNCTSITF